The following is an entry in ClinVar:

NM_021831.6(AGBL5):c.1093C>G (p.Leu365Val)

Gene: AGBL5 (AGBL carboxypeptidase 5; plus strand). Cytogenetic location: 2p23.3.
Variant type: single nucleotide variant.
Coding change: c.1093C>G on transcript NM_021831.6 (MANE Select); coding-DNA position 1093, C replaced by G.
Protein change: p.Leu365Val; replaces leucine 365 with valine.
Molecular consequence: missense variant. On other transcripts: non-coding transcript variant (2).
Genome position (GRCh38, 1-based): chr2:27,055,866, C>G. VCF-style: chr2-27055866-C-G. GRCh37 (hg19) VCF-style: chr2-27278734-C-G.
Other names: c.1093C>G, p.Leu365Val (NM_001035507.3); short protein forms L365V.
Identifiers: ClinVar variation 1525612 (VCV001525612.6), dbSNP rs1558414983, ClinGen allele CA346179120.

ClinVar aggregate classification (germline): Uncertain significance (1 of 4 stars; one submission).

Allele frequency attached by ClinVar (database versions not stated): TOPMed below 0.00001.

Submission:

Labcorp Genetics (formerly Invitae), Labcorp
Classification: Uncertain significance. Last evaluated: 2021-10-14. Review status: criteria provided, single submitter. Criteria: Invitae Variant Classification Sherloc (09022015). Collection method: clinical testing. Allele origin: germline.
Comment: This sequence change replaces leucine with valine at codon 365 of the AGBL5 protein (p.Leu365Val). The leucine residue is highly conserved and there is a small physicochemical difference between leucine and valine. This variant is not present in population databases (ExAC no frequency). This variant has not been reported in the literature in individuals affected with AGBL5-related conditions. Algorithms developed to predict the effect of missense changes on protein structure and function (SIFT, PolyPhen-2, Align-GVGD) all suggest that this variant is likely to be tolerated. In summary, the available evidence is currently insufficient to determine the role of this variant in disease. Therefore, it has been classified as a Variant of Uncertain Significance.